The following continues an entry in ClinVar:

NM_020822.3(KCNT1):c.1421G>A (p.Arg474His)

Gene: KCNT1. ClinVar aggregate classification (germline): Pathogenic/Likely pathogenic. Pathogenic (15); Likely pathogenic (2).

Submissions 15 to 22 of 22:

Juno Genomics, Hangzhou Juno Genomics, Inc
Classification: Pathogenic for Developmental and epileptic encephalopathy, 14; Autosomal dominant nocturnal frontal lobe epilepsy 5. Review status: criteria provided, single submitter. Criteria: ACMG Guidelines, 2015. Collection method: clinical testing. Allele origin: germline. Affected: yes.
Comment: Absent from controls (or at extremely low frequency if recessive) in Genome Aggregation Database, Exome Sequencing Project, 1000 Genomes Project, or Exome Aggregation Consortium.;Multiple lines of computational evidence support a deleterious effect on the gene or gene product (conservation, evolutionary, splicing impact, etc).;Novel missense change at an amino acid residue where a different missense change determined to be pathogenic has been seen before.;De novo (both maternity and paternity confirmed) in a patient with the disease and no family history.;The prevalence of the variant in affected individuals is significantly increased compared to the prevalence in controls.;Patient's phenotype or family history is highly specific for a disease with a single genetic etiology.

Neuberg Centre For Genomic Medicine, NCGM
Classification: Likely pathogenic for Developmental and epileptic encephalopathy, 14. Review status: criteria provided, single submitter. Criteria: ACMG Guidelines, 2015. Collection method: clinical testing. Allele origin: germline. Affected: yes.
Comment: The missense variant p.R474H in KCNT1 (NM_020822.3) has been previously reported as a de novo variant in individuals with malignant migrating partial seizures of infancy (MMPSI) and West syndrome (Lee et al 2014; Barcia et al 2012; Ohba et al 2015). A different missense variant at the same position (R474C) has been reported as a pathogenic variant in individuals with epilepsy of infancy with migrating focal seizures (EIFMS) (Ohba et al, 2015). The variant has been submitted to ClinVar as Pathogenic. The p.R474H variant is novel (not in any individuals) in gnomAD Exomes and is novel (not in any individuals) in 1000 Genomes. The p.R474H missense variant is predicted to be damaging by both SIFT and PolyPhen2. The arginine residue at codon 474 of KCNT1 is conserved in all mammalian species. The nucleotide c.1421 in KCNT1 is predicted conserved by GERP++ and PhyloP across 100 vertebrates. For these reasons, this variant has been classified as Likely Pathogenic.

Rady Children's Institute for Genomic Medicine, Rady Children's Hospital San Diego
Classification: Pathogenic for KCNT1-Related Epilepsy. Review status: criteria provided, single submitter. Criteria: ACMG Guidelines, 2015. Collection method: clinical testing. Allele origin: germline. Affected: yes.
Comment: This variant has been previously reported as a de novo change in patients with malignant migrating partial seizures in infancy with and without systemic pulmonary collateral arteries (MMPSI) (PMID: 23086397, 28987752), malignant migrating focal seizures in infancy (PMID: 27779742), epilepsy of infancy with migrating focal seizures (EIMFS) (PMID: 31872048, 31532509, 32167590, 32505479) and sleep-related hypermotor epilepsy (PMID: 32167590). Overexpression studies demonstrated that this variant leads to increased Kcnt1 current amplitude (PMID: 25482562). It is absent from the gnomAD population database and thus is presumed to be rare. The c.1421G>A (p.Arg474His) variant affects a highly conserved amino acid and is predicted by multiple in silico tools to have a deleterious effect on protein function. Analysis of the parental samples was negative for the variant, indicating this variant likely occurred as a de novo event. Based on the available evidence, the c.1421G>A (p.Arg474His) variant is classified as Pathogenic.

Genetics and Genomic Medicine Centre, NeuroGen Healthcare, NeuroGen Healthcare
Classification: Pathogenic. Last evaluated: 2022-10-02. Review status: no assertion criteria provided. Collection method: clinical testing. Allele origin: unknown. Affected: yes. Not counted in ClinVar's aggregate classification.

Pediatric Genetics Clinic, Sheba Medical Center
Classification: Pathogenic for Developmental and epileptic encephalopathy, 14. Last evaluated: 2021-05-13. Review status: no assertion criteria provided. Collection method: clinical testing. Allele origin: de novo. Affected: yes. Observed: 1 heterozygote. Not counted in ClinVar's aggregate classification.

OMIM
Classification: Pathogenic for DEVELOPMENTAL AND EPILEPTIC ENCEPHALOPATHY 14. Last evaluated: 2012-11-01. Review status: no assertion criteria provided. Collection method: literature only. Allele origin: germline. Not counted in ClinVar's aggregate classification.

Center of Excellence for Medical Genomics, Chulalongkorn University
Classification: Pathogenic for Autosomal dominant nocturnal frontal lobe epilepsy 5. Last evaluated: 2002-09-08. Review status: no assertion criteria provided. Collection method: research. Allele origin: de novo. Affected: yes. Not counted in ClinVar's aggregate classification.

Diagnostic Laboratory, Strasbourg University Hospital
Classification: Pathogenic for Seizure. Review status: no assertion criteria provided. Collection method: clinical testing. Allele origin: de novo. Affected: yes. Observed: 1 heterozygote. Not counted in ClinVar's aggregate classification.

Literature cited by the submitters: PubMed 23086397 (cited by 4 submitters); PubMed 25326637 (cited by Labcorp Genetics (formerly Invitae), Labcorp); PubMed 25482562 (cited by Labcorp Genetics (formerly Invitae), Labcorp and Ambry Genetics); PubMed 26140313 (cited by Labcorp Genetics (formerly Invitae), Labcorp and Ambry Genetics); PubMed 26740507 (cited by Labcorp Genetics (formerly Invitae), Labcorp); PubMed 27652284 (cited by Labcorp Genetics (formerly Invitae), Labcorp); PubMed 25326635 (cited by Baylor Genetics); PubMed 24319675 (cited by Ambry Genetics); PubMed 30182418 (cited by Ambry Genetics); PubMed 28987752 (cited by Ambry Genetics); PubMed 27081515 (cited by Ambry Genetics).